The following is an entry in ClinVar:

ClinVar aggregate classification (germline): Uncertain significance (1 of 4 stars; one submission).

gnomAD v4.1: 1 of 1,608,474 alleles (0.000062%); highest among the groups gnomAD compares: Admixed American, 0.0017%; no homozygotes.

Submission:

Labcorp Genetics (formerly Invitae), Labcorp
Classification: Uncertain significance. Last evaluated: 2024-08-23. Review status: criteria provided, single submitter. Criteria: Invitae Variant Classification Sherloc (09022015). Collection method: clinical testing. Allele origin: germline.
Comment: This sequence change replaces asparagine, which is neutral and polar, with serine, which is neutral and polar, at codon 30 of the IFT88 protein (p.Asn30Ser). This variant is not present in population databases (gnomAD no frequency). This variant has not been reported in the literature in individuals affected with IFT88-related conditions. An algorithm developed to predict the effect of missense changes on protein structure and function (PolyPhen-2) suggests that this variant is likely to be disruptive. In summary, the available evidence is currently insufficient to determine the role of this variant in disease. Therefore, it has been classified as a Variant of Uncertain Significance.

NM_006531.5(IFT88):c.62A>G (p.Asn21Ser)

Gene: IFT88 (intraflagellar transport 88; plus strand). Cytogenetic location: 13q12.11.
Variant type: single nucleotide variant.
Coding change: c.62A>G on transcript NM_006531.5 (MANE Select); coding-DNA position 62, A replaced by G.
Protein change: p.Asn21Ser; replaces asparagine 21 with serine.
Molecular consequence: missense variant. On other transcripts: 5 prime UTR variant (1), non-coding transcript variant (5).
Genome position (GRCh38, 1-based): chr13:20,574,447, A>G. VCF-style: chr13-20574447-A-G. GRCh37 (hg19) VCF-style: chr13-21148586-A-G.
Other names: c.62A>G, p.Asn21Ser (NM_001318491.2, NM_001353568.2, NM_001353571.2 and 5 more transcripts); c.89A>G, p.Asn30Ser (NM_001318493.2, NM_001353565.2, NM_001353566.2 and 6 more transcripts); c.-502A>G (NM_001353579.2); short protein forms N21S, N30S.
Identifiers: ClinVar variation 3693583 (VCV003693583.2).